The following is an entry in ClinVar:

NM_015602.4(TOR1AIP1):c.462_463del (p.His155fs)

Genes: TOR1AIP1 (torsin 1A interacting protein 1; plus strand), LOC112577517 (Sharpr-MPRA regulatory region 13766; plus strand). Cytogenetic location: 1q25.2.
Variant type: Microsatellite.
Coding change: c.462_463del on transcript NM_015602.4 (MANE Select); coding-DNA positions 462 to 463, 2 bases deleted (TC; older notation c.462_463delTC).
Protein change: p.His155fs; shifts the reading frame from histidine 155.
Molecular consequence: frameshift variant.
Genome position (GRCh38, 1-based): chr1:179,882,964-179,882,965, TC deleted; deleting any 2 consecutive bases within chr1:179,882,961-179,882,965 gives the same sequence; the c. name uses the placement nearest the transcript's 3' end. VCF-style (leftmost placement, unchanged base first): chr1-179882960-ACT-A. GRCh37 (hg19) VCF-style: chr1-179852095-ACT-A.
Other names: c.462_463del, p.His155fs (NM_001267578.2); short protein forms H155fs.
Identifiers: ClinVar variation 3668667 (VCV003668667.2).

ClinVar aggregate classification (germline): Pathogenic (1 of 4 stars; one submission).

Conditions:
Autosomal recessive limb-girdle muscular dystrophy type 2Y (MRRSDC). Also called: Muscular dystrophy, limb-girdle, type 2y; Muscular dystrophy, autosomal recessive, with rigid spine and distal joint contractures. Identifiers: Orphanet 424261, MedGen C4511482, MONDO:0014900, OMIM 617072.

Submission:

Labcorp Genetics (formerly Invitae), Labcorp
Classification: Pathogenic for Autosomal recessive limb-girdle muscular dystrophy type 2Y. Last evaluated: 2025-04-14. Review status: criteria provided, single submitter. Criteria: Invitae Variant Classification Sherloc (09022015). Collection method: clinical testing. Allele origin: germline.
Comment: This sequence change creates a premature translational stop signal (p.His155Phefs*3) in the TOR1AIP1 gene. It is expected to result in an absent or disrupted protein product. Loss-of-function variants in TOR1AIP1 are known to be pathogenic (PMID: 24856141, 27342937). This variant is present in population databases (no rsID available, gnomAD 0.0009%). This variant has not been reported in the literature in individuals affected with TOR1AIP1-related conditions. For these reasons, this variant has been classified as Pathogenic.

Literature cited by the submitters: PubMed 24856141; PubMed 27342937.